The following is an entry in ClinVar:

NM_024570.4(RNASEH2B):c.510G>A (p.Lys170=)

Gene: RNASEH2B (ribonuclease H2 subunit B; plus strand). Cytogenetic location: 13q14.3.
Variant type: single nucleotide variant.
Coding change: c.510G>A on transcript NM_024570.4 (MANE Select); coding-DNA position 510, G replaced by A.
Protein change: p.Lys170=; no amino-acid change (lysine 170 retained).
Molecular consequence: synonymous variant.
Genome position (GRCh38, 1-based): chr13:50,943,394, G>A. VCF-style: chr13-50943394-G-A. GRCh37 (hg19) VCF-style: chr13-51517530-G-A.
Other names: c.510G>A, p.Lys170= (NM_001142279.2).
Identifiers: ClinVar variation 1508095 (VCV001508095.6), dbSNP rs2137982984, ClinGen allele CA483840472.
Genomic context (GRCh38, chr13:50,943,394, plus strand): 5'-AGACAACAAGAAATATTACAAGTACAGCAAAGAGAAGACATTAAAGTGGCTGGAAAAAAA[G>A]GTATAGTTCCTCTCTAGTGCCTTGTGGTAAAAGTAAAAATTCAGTTCTCTAAGAAATTTT-3'
Protein context (NP_078846.2, residues 160-180): KEKTLKWLEK[Lys170=]VNQTVAALKT

ClinVar aggregate classification (germline): Uncertain significance (1 of 4 stars; one submission).

Conditions:
Aicardi-Goutieres syndrome 2. Identifiers: Orphanet 51, MedGen C3489724, MONDO:0012429, OMIM 610181.

gnomAD v4.1: 1 of 1,594,090 alleles (0.000063%); no homozygotes.

Submission:

Labcorp Genetics (formerly Invitae), Labcorp
Classification: Uncertain significance for Aicardi-Goutieres syndrome 2. Last evaluated: 2022-08-15. Review status: criteria provided, single submitter. Criteria: Invitae Variant Classification Sherloc (09022015). Collection method: clinical testing. Allele origin: germline.
Comment: In summary, the available evidence is currently insufficient to determine the role of this variant in disease. Therefore, it has been classified as a Variant of Uncertain Significance. Variants that disrupt the consensus splice site are a relatively common cause of aberrant splicing (PMID: 17576681, 9536098). Algorithms developed to predict the effect of sequence changes on RNA splicing suggest that this variant may disrupt the consensus splice site. ClinVar contains an entry for this variant (Variation ID: 1508095). This variant has been observed in individual(s) with Aicardi-Goutieres syndrome (PMID: 26860721). In at least one individual the data is consistent with being in trans (on the opposite chromosome) from a pathogenic variant. This variant is not present in population databases (gnomAD no frequency). This sequence change affects codon 170 of the RNASEH2B mRNA. It is a 'silent' change, meaning that it does not change the encoded amino acid sequence of the RNASEH2B protein. This variant also falls at the last nucleotide of exon 6, which is part of the consensus splice site for this exon.

Literature cited by the submitters: PubMed 17576681; PubMed 9536098; PubMed 26860721.